The following is an entry in ClinVar:

ClinVar aggregate classification (germline): Pathogenic (1 of 4 stars; one submission).

Submission:

Labcorp Genetics (formerly Invitae), Labcorp
Classification: Pathogenic. Last evaluated: 2025-01-27. Review status: criteria provided, single submitter. Criteria: Invitae Variant Classification Sherloc (09022015). Collection method: clinical testing. Allele origin: germline.
Comment: This sequence change creates a premature translational stop signal (p.Gly506Aspfs*2) in the POP1 gene. It is expected to result in an absent or disrupted protein product. Loss-of-function variants in POP1 are known to be pathogenic (PMID: 21455487). This variant is not present in population databases (gnomAD no frequency). This variant has not been reported in the literature in individuals affected with POP1-related conditions. For these reasons, this variant has been classified as Pathogenic.

Literature cited by the submitters: PubMed 21455487.

NM_001145860.2(POP1):c.1517del (p.Gly506fs)

Gene: POP1 (POP1 ribonuclease P/MRP subunit; plus strand). Cytogenetic location: 8q22.2.
Variant type: Deletion.
Coding change: c.1517del on transcript NM_001145860.2 (MANE Select); coding-DNA position 1517, one base deleted (G; older notation c.1517delG).
Protein change: p.Gly506fs; shifts the reading frame from glycine 506.
Molecular consequence: frameshift variant.
Genome position (GRCh38, 1-based): chr8:98,140,811, G deleted; the last of 3 consecutive G bases (chr8:98,140,809-98,140,811); deleting any one gives the same sequence. VCF-style (leftmost placement, unchanged base first): chr8-98140808-TG-T. GRCh37 (hg19) VCF-style: chr8-99153036-TG-T.
Other names: c.1517del, p.Gly506fs (NM_001145861.2, NM_015029.3); short protein forms G506fs.
Identifiers: ClinVar variation 4711921 (VCV004711921.1).